The following is an entry in ClinVar:

NM_000719.7(CACNA1C):c.4829-145C>G

Genes: CACNA1C (calcium voltage-gated channel subunit alpha1 C; plus strand), CACNA1C-AS1 (CACNA1C antisense RNA 1; minus strand). Cytogenetic location: 12p13.33.
Variant type: single nucleotide variant.
Coding change: c.4829-145C>G on transcript NM_000719.7 (MANE Select); 145 bases into the intron before coding-DNA position 4829, C replaced by G.
Molecular consequence: intron variant. On other transcripts: non-coding transcript variant (1).
Genome position (GRCh38, 1-based): chr12:2,676,949, C>G. VCF-style: chr12-2676949-C-G. GRCh37 (hg19) VCF-style: chr12-2786115-C-G.
Other names: NC_000012.11:g.2786115C>G; c.4829-145C>G (NM_001167624.3, NM_001167623.2, NM_001129840.2 and 4 more transcripts); c.4796-145C>G (NM_001167625.2, NM_001129846.2); c.4973-145C>G (NM_199460.4, NM_001129827.2); c.4889-145C>G (NM_001129832.2); c.4913-145C>G (NM_001129831.2); c.4886-145C>G (NM_001129833.2, NM_001129834.2, NM_001129835.2); c.4952-145C>G (NM_001129829.2); and 4 more.
Identifiers: ClinVar variation 673566 (VCV000673566.7), dbSNP rs12818148, ClinGen allele CA231608850.
Genomic context (GRCh38, chr12:2,676,949, plus strand): 5'-CAGATAAGGGCTGTGGTGGGAGAGACTTTTGACCATAAGCCTTTTTATGGTTTTTTTTCT[C>G]TCTTTTTAAGCCATGTGAATGTATTACCTCTCCAAAAATATTAAAGTTTTAAAAAGTTTT-3'

ClinVar aggregate classification (germline): Benign. Review status: criteria provided, multiple submitters, no conflicts (2 of 4 stars). 3 submissions from 3 submitters: Benign (3). Last evaluated 2019-12-31.

Conditions:
Long QT syndrome (LQTS). Identifiers: MedGen C0023976, MeSH D008133, MONDO:0002442. Disease mechanism: loss of function. Inheritance: Various modes of inheritance.

Allele frequency attached by ClinVar (database versions not stated): gnomAD 0.05983 and 0.06027; TOPMed 0.06720; 1000 Genomes Project 30x 0.07792; 1000 Genomes Project 0.08047.
gnomAD v4.1: 33,365 of 633,082 alleles (5.3%); highest among the groups gnomAD compares: East Asian, 16%; 1,437 homozygotes.

Submissions (13):

Labcorp Genetics (formerly Invitae), Labcorp
Classification: Benign for Long QT syndrome. Last evaluated: 2019-12-31. Review status: criteria provided, single submitter. Criteria: Invitae Variant Classification Sherloc (09022015). Collection method: clinical testing. Allele origin: germline.

GeneDx
Classification: Benign. Last evaluated: 2018-06-14. Review status: criteria provided, single submitter. Criteria: GeneDx Variant Classification (06012015). Collection method: clinical testing. Allele origin: germline. Affected: yes.
Comment: This variant is considered likely benign or benign based on one or more of the following criteria: it is a conservative change, it occurs at a poorly conserved position in the protein, it is predicted to be benign by multiple in silico algorithms, and/or has population frequency not consistent with disease.

Breakthrough Genomics
Classification: Benign. Review status: criteria provided, single submitter. Criteria: ACMG Guidelines, 2015. Collection method: not provided. Allele origin: germline. Inheritance: Autosomal dominant inheritance. Affected: yes.

Dr. Peter K. Rogan Lab, Western University
No classification provided (evidence only). Condition: Lung cancer. Review status: no classification provided. Collection method: in vitro. Allele origin: not applicable. Functional consequence: retained intron. Not counted in ClinVar's aggregate classification.

Dr. Peter K. Rogan Lab, Western University
No classification provided (evidence only). Condition: Acute myeloid leukemia. Review status: no classification provided. Collection method: in vitro. Allele origin: not applicable. Functional consequence: retained intron. Not counted in ClinVar's aggregate classification.

Dr. Peter K. Rogan Lab, Western University
No classification provided (evidence only). Condition: Acute myeloid leukemia. Review status: no classification provided. Collection method: in vitro. Allele origin: not applicable. Functional consequence: retained intron. Not counted in ClinVar's aggregate classification.

Dr. Peter K. Rogan Lab, Western University
No classification provided (evidence only). Condition: Acute myeloid leukemia. Review status: no classification provided. Collection method: in vitro. Allele origin: not applicable. Functional consequence: retained intron. Not counted in ClinVar's aggregate classification.

Dr. Peter K. Rogan Lab, Western University
No classification provided (evidence only). Condition: Uterine corpus endometrial carcinoma. Review status: no classification provided. Collection method: in vitro. Allele origin: not applicable. Functional consequence: retained intron. Not counted in ClinVar's aggregate classification.

Dr. Peter K. Rogan Lab, Western University
No classification provided (evidence only). Condition: Cervical cancer. Review status: no classification provided. Collection method: in vitro. Allele origin: not applicable. Functional consequence: retained intron. Not counted in ClinVar's aggregate classification.

Dr. Peter K. Rogan Lab, Western University
No classification provided (evidence only). Condition: Cervical cancer. Review status: no classification provided. Collection method: in vitro. Allele origin: not applicable. Functional consequence: retained intron. Not counted in ClinVar's aggregate classification.

Dr. Peter K. Rogan Lab, Western University
No classification provided (evidence only). Condition: Hepatocellular carcinoma. Review status: no classification provided. Collection method: in vitro. Allele origin: not applicable. Functional consequence: retained intron. Not counted in ClinVar's aggregate classification.

Dr. Peter K. Rogan Lab, Western University
No classification provided (evidence only). Condition: Thymoma. Review status: no classification provided. Collection method: in vitro. Allele origin: not applicable. Functional consequence: retained intron. Not counted in ClinVar's aggregate classification.

Dr. Peter K. Rogan Lab, Western University
No classification provided (evidence only). Condition: Ovarian serous cystadenocarcinoma. Review status: no classification provided. Collection method: in vitro. Allele origin: not applicable. Functional consequence: retained intron. Not counted in ClinVar's aggregate classification.